The following is an entry in ClinVar:

ClinVar aggregate classification (germline): Uncertain significance (1 of 4 stars; one submission).

Conditions:
Hereditary spastic paraplegia 50 (SPG50). Also called: Spastic paraplegia 50, autosomal recessive. Identifiers: Orphanet 280763, MedGen C2752008, MONDO:0013048, OMIM 612936.

Allele frequency attached by ClinVar (database versions not stated): TOPMed below 0.00001; gnomAD 0.00001.

Submission:

Labcorp Genetics (formerly Invitae), Labcorp
Classification: Uncertain significance for Hereditary spastic paraplegia 50. Last evaluated: 2022-12-08. Review status: criteria provided, single submitter. Criteria: Invitae Variant Classification Sherloc (09022015). Collection method: clinical testing. Allele origin: germline.
Comment: This variant has not been reported in the literature in individuals affected with AP4M1-related conditions. This variant is not present in population databases (gnomAD no frequency). This sequence change replaces histidine, which is basic and polar, with arginine, which is basic and polar, at codon 52 of the AP4M1 protein (p.His52Arg). ClinVar contains an entry for this variant (Variation ID: 1472791). In summary, the available evidence is currently insufficient to determine the role of this variant in disease. Therefore, it has been classified as a Variant of Uncertain Significance. Advanced modeling of protein sequence and biophysical properties (such as structural, functional, and spatial information, amino acid conservation, physicochemical variation, residue mobility, and thermodynamic stability) performed at Invitae indicates that this missense variant is not expected to disrupt AP4M1 protein function.

NM_004722.4(AP4M1):c.155A>G (p.His52Arg)

Gene: AP4M1 (adaptor related protein complex 4 subunit mu 1; plus strand). Cytogenetic location: 7q22.1.
Variant type: single nucleotide variant.
Coding change: c.155A>G on transcript NM_004722.4 (MANE Select); coding-DNA position 155, A replaced by G.
Protein change: p.His52Arg; replaces histidine 52 with arginine.
Molecular consequence: missense variant.
Genome position (GRCh38, 1-based): chr7:100,102,682, A>G. VCF-style: chr7-100102682-A-G. GRCh37 (hg19) VCF-style: chr7-99700305-A-G.
Other names: c.176A>G, p.His59Arg (NM_001363671.2); short protein forms H52R, H59R.
Identifiers: ClinVar variation 1472791 (VCV001472791.7), dbSNP rs969442891, ClinGen allele CA163213340.